The following is an entry in ClinVar:

NM_000051.4(ATM):c.585C>T (p.Thr195=)

Gene: ATM (ATM serine/threonine kinase; plus strand). Cytogenetic location: 11q22.3.
Variant type: single nucleotide variant.
Coding change: c.585C>T on transcript NM_000051.4 (MANE Select); coding-DNA position 585, C replaced by T.
Protein change: p.Thr195=; no amino-acid change (threonine 195 retained).
Molecular consequence: synonymous variant.
Genome position (GRCh38, 1-based): chr11:108,244,041, C>T. VCF-style: chr11-108244041-C-T. GRCh37 (hg19) VCF-style: chr11-108114768-C-T.
Other names: c.585C>T, p.Thr195= (NM_001351834.2).
Identifiers: ClinVar variation 1750125 (VCV001750125.6), dbSNP rs2135224869, ClinGen allele CA476671447.

ClinVar aggregate classification (germline): Benign/Likely benign. Review status: criteria provided, multiple submitters, no conflicts (2 of 4 stars). 3 submissions from 3 submitters: Benign (1); Likely benign (2). Last evaluated 2024-04-19.

Conditions:
Ataxia-telangiectasia syndrome (AT). Also called: Ataxia telangiectasia (A-T); LOUIS-BAR SYNDROME; Cerebello-oculocutaneous telangiectasia; Immunodeficiency with ataxia telangiectasia; Ataxia-telangiectasia, complementation group D; AT, COMPLEMENTATION GROUP C. Identifiers: Orphanet 100, MedGen C0004135, MONDO:0008840, OMIM 208900.
Hereditary cancer-predisposing syndrome. Also called: Neoplastic Syndromes, Hereditary; Tumor predisposition; Hereditary neoplastic syndrome; Hereditary Cancer Syndrome. Identifiers: Orphanet 140162, MedGen C0027672, MeSH D009386, MONDO:0015356.
Familial cancer of breast. Also called: BREAST CANCER, FAMILIAL; Hereditary breast cancer; hereditary breast carcinoma. Identifiers: Orphanet 227535, MedGen C0346153, MONDO:0016419, OMIM 114480. Disease mechanism: loss of function.

Submissions (3):

Myriad Genetics, Inc.
Classification: Benign for Familial cancer of breast. Last evaluated: 2024-04-19. Review status: criteria provided, single submitter. Criteria: Myriad Autosomal Dominant, Autosomal Recessive and X-Linked Classification Criteria (2023). Collection method: clinical testing. Allele origin: unknown.
Comment: This variant is considered benign. This variant is a silent/synonymous amino acid change and it is not expected to impact splicing.

Labcorp Genetics (formerly Invitae), Labcorp
Classification: Likely benign for Ataxia-telangiectasia syndrome. Last evaluated: 2023-12-22. Review status: criteria provided, single submitter. Criteria: Invitae Variant Classification Sherloc (09022015). Collection method: clinical testing. Allele origin: germline.

Ambry Genetics
Classification: Likely benign for Hereditary cancer-predisposing syndrome. Last evaluated: 2020-10-12. Review status: criteria provided, single submitter. Criteria: Ambry Variant Classification Scheme 2023. Collection method: clinical testing. Allele origin: germline.